The following is an entry in ClinVar:

NM_013296.5(GPSM2):c.1601-25T>C

Gene: GPSM2 (G protein signaling modulator 2; plus strand). Cytogenetic location: 1p13.3.
Variant type: single nucleotide variant.
Coding change: c.1601-25T>C on transcript NM_013296.5 (MANE Select); 25 bases into the intron before coding-DNA position 1601, T replaced by C.
Molecular consequence: intron variant.
Genome position (GRCh38, 1-based): chr1:108,923,975, T>C. VCF-style: chr1-108923975-T-C. GRCh37 (hg19) VCF-style: chr1-109466597-T-C.
Other names: c.1601-25T>C (NM_001321038.2, NM_001321039.3).
Identifiers: ClinVar variation 681783 (VCV000681783.2), dbSNP rs12034820, ClinGen allele CA983130.

ClinVar aggregate classification (germline): Benign. Review status: criteria provided, multiple submitters, no conflicts (2 of 4 stars). 2 submissions from 2 submitters: Benign (2). Last evaluated 2018-06-19.

Allele frequency attached by ClinVar (database versions not stated): ESP Exome Variant Server 0.01117; gnomAD exomes 0.01237 and 0.01636; gnomAD 0.01254 and 0.01418; TOPMed 0.01374; ExAC 0.01700; 1000 Genomes Project 30x 0.02233; 1000 Genomes Project 0.02276.
gnomAD v4.1: 18,834 of 1,486,796 alleles (1.3%); highest among the groups gnomAD compares: South Asian, 5.4%; 288 homozygotes.

Submissions (2):

GeneDx
Classification: Benign. Last evaluated: 2018-06-19. Review status: criteria provided, single submitter. Criteria: GeneDx Variant Classification (06012015). Collection method: clinical testing. Allele origin: germline. Affected: yes.
Comment: This variant is considered likely benign or benign based on one or more of the following criteria: it is a conservative change, it occurs at a poorly conserved position in the protein, it is predicted to be benign by multiple in silico algorithms, and/or has population frequency not consistent with disease.

Breakthrough Genomics
Classification: Benign. Review status: criteria provided, single submitter. Criteria: ACMG Guidelines, 2015. Collection method: not provided. Allele origin: germline. Inheritance: Autosomal recessive inheritance. Affected: yes.